The following is an entry in ClinVar:

NM_033380.3(COL4A5):c.739C>T (p.Gln247Ter)

Gene: COL4A5 (collagen type IV alpha 5 chain; plus strand). Cytogenetic location: Xq22.3.
Variant type: single nucleotide variant.
Coding change: c.739C>T on transcript NM_033380.3 (MANE Select); coding-DNA position 739, C replaced by T.
Protein change: p.Gln247Ter; replaces glutamine 247 with a stop codon.
Molecular consequence: nonsense.
Genome position (GRCh38, 1-based): chrX:108,578,342, C>T. VCF-style: chrX-108578342-C-T. GRCh37 (hg19) VCF-style: chrX-107821572-C-T.
Other names: c.739C>T, p.Gln247Ter (NM_000495.5); short protein forms Q247*.
Identifiers: ClinVar variation 4712772 (VCV004712772.1).

ClinVar aggregate classification (germline): Pathogenic (1 of 4 stars; one submission).

Submission:

Labcorp Genetics (formerly Invitae), Labcorp
Classification: Pathogenic. Last evaluated: 2025-02-10. Review status: criteria provided, single submitter. Criteria: Invitae Variant Classification Sherloc (09022015). Collection method: clinical testing. Allele origin: germline.
Comment: This sequence change creates a premature translational stop signal (p.Gln247*) in the COL4A5 gene. It is expected to result in an absent or disrupted protein product. Loss-of-function variants in COL4A5 are known to be pathogenic (PMID: 9195222, 10752524, 14514738, 24854265, 26809805). This variant is not present in population databases (gnomAD no frequency). This variant has not been reported in the literature in individuals affected with COL4A5-related conditions. Algorithms developed to predict the effect of sequence changes on RNA splicing suggest that this variant may disrupt the consensus splice site. For these reasons, this variant has been classified as Pathogenic.

Literature cited by the submitters: PubMed 9195222; PubMed 10752524; PubMed 14514738; PubMed 24854265; PubMed 26809805.